The following is an entry in ClinVar:

ClinVar aggregate classification (germline): Uncertain significance (1 of 4 stars; one submission).

gnomAD v4.1: 3 of 1,536,174 alleles (0.0002%); highest among the groups gnomAD compares: Admixed American, 0.002%; no homozygotes.

Submission:

Women's Health and Genetics/Laboratory Corporation of America, LabCorp
Classification: Uncertain significance. Last evaluated: 2024-09-11. Review status: criteria provided, single submitter. Criteria: LabCorp Variant Classification Summary - May 2015. Collection method: clinical testing. Allele origin: germline.
Comment: Variant summary: PRKAG2 c.466+45140C>T alters a non-conserved nucleotide at a position not widely known to affect splicing. Additionally, this variant also corresponds to c.-19C>T in RefSeq NM_001304527 where it alters a nucleotide located in the untranslated mRNA region of the gene. Consensus agreement among computation tools predict no significant impact on normal splicing. However, these predictions have yet to be confirmed by functional studies. The variant allele was found at a frequency of 1.5e-05 in 137224 control chromosomes. The available data on variant occurrences in the general population are insufficient to allow any conclusion about variant significance. To our knowledge, no occurrence of c.466+45140C>T in individuals affected with Cardiomyopathy and no experimental evidence demonstrating its impact on protein function have been reported. No submitters have cited clinical-significance assessments for this variant to ClinVar. Based on the evidence outlined above, the variant was classified as uncertain significance.

NM_016203.4(PRKAG2):c.466+45140C>T

Gene: PRKAG2 (protein kinase AMP-activated non-catalytic subunit gamma 2; minus strand). Cytogenetic location: 7q36.1.
Variant type: single nucleotide variant.
Coding change: c.466+45140C>T on transcript NM_016203.4 (MANE Select); 45140 bases into the intron after coding-DNA position 466, C replaced by T.
Molecular consequence: intron variant. On other transcripts: 5 prime UTR variant (6).
Genome position (GRCh38, 1-based): chr7:151,736,012, G>A on the plus strand (C>T on the coding strand, the complement: PRKAG2 is on the minus strand). VCF-style: chr7-151736012-G-A. GRCh37 (hg19) VCF-style: chr7-151433098-G-A.
Other names: c.-101C>T (NM_001407038.1); c.466+45140C>T (NM_001407031.1, NM_001407030.1, NM_001407023.1 and 2 more transcripts); c.-19C>T (NM_001304527.2, NM_001363698.2, NM_001407028.1 and 2 more transcripts); c.149-60375C>T (NM_001407032.1); c.334+45140C>T (NM_001407026.1, NM_001040633.2, NM_001407027.1 and 1 more transcripts); c.360+45114C>T (NM_001407033.1).
Identifiers: ClinVar variation 3374866 (VCV003374866.1).